The following is an entry in ClinVar:

ClinVar aggregate classification (germline): Uncertain significance (1 of 4 stars; one submission).

Submission:

GeneDx
Classification: Uncertain significance. Last evaluated: 2026-04-20. Review status: criteria provided, single submitter. Criteria: GeneDx Variant Classification Process June 2021. Collection method: clinical testing. Allele origin: germline.
Comment: Not observed at significant frequency in large population cohorts (gnomAD); In silico analysis suggests that this missense variant does not alter protein structure/function; Has not been previously published as pathogenic or benign to our knowledge

NM_001042475.3(CEP85L):c.1132A>G (p.Ile378Val)

Gene: CEP85L (centrosomal protein 85L; minus strand). Cytogenetic location: 6q22.31.
Variant type: single nucleotide variant.
Coding change: c.1132A>G on transcript NM_001042475.3 (MANE Select); coding-DNA position 1132, A replaced by G.
Protein change: p.Ile378Val; replaces isoleucine 378 with valine.
Molecular consequence: missense variant.
Genome position (GRCh38, 1-based): chr6:118,523,809, T>C on the plus strand (A>G on the coding strand, the complement: CEP85L is on the minus strand). VCF-style: chr6-118523809-T-C. GRCh37 (hg19) VCF-style: chr6-118844972-T-C.
Other names: c.1141A>G, p.Ile381Val (NM_001178035.2); c.1132A>G, p.Ile378Val (NM_206921.3); short protein forms I378V, I381V.
Identifiers: ClinVar variation 5037424 (VCV005037424.1).